The following is an entry in ClinVar:

NM_000475.5(NR0B1):c.376G>A (p.Val126Met)

Gene: NR0B1 (nuclear receptor subfamily 0 group B member 1; minus strand). Cytogenetic location: Xp21.2.
Variant type: single nucleotide variant.
Coding change: c.376G>A on transcript NM_000475.5 (MANE Select); coding-DNA position 376, G replaced by A.
Protein change: p.Val126Met; replaces valine 126 with methionine.
Molecular consequence: missense variant.
Genome position (GRCh38, 1-based): chrX:30,308,988, C>T on the plus strand (G>A on the coding strand, the complement: NR0B1 is on the minus strand). VCF-style: chrX-30308988-C-T. GRCh37 (hg19) VCF-style: chrX-30327105-C-T.
Other names: short protein forms V126M.
Identifiers: ClinVar variation 225425 (VCV000225425.39), dbSNP rs193205940, ClinGen allele CA10376402.

ClinVar aggregate classification (germline): Conflicting classifications of pathogenicity. Review status: criteria provided, conflicting classifications (1 of 4 stars). 8 submissions from 8 submitters: Uncertain significance (1); Benign (4). 3 of the submissions do not count toward it. Last evaluated 2026-01-30.

Conditions:
NR0B1-related disorder.
Congenital adrenal hypoplasia, X-linked (AHC). Also called: Isolated X-Linked Adrenal Hypoplasia Congenita; X-linked AHC; X-Linked Adrenal Hypoplasia Congenita; ADRENAL HYPOPLASIA, CONGENITAL, WITH HYPOGONADOTROPIC HYPOGONADISM. Identifiers: Orphanet 95702, MedGen C0342482, MONDO:0010264, OMIM 300200. Disease mechanism: loss of function.
46,XY sex reversal 2. Also called: 46,XY SEX REVERSAL, DAX1-RELATED; NR0B1-Related 46,XY CGD; NR0B1-related 46,XY complete gonadal dysgenesis; 46XY sex reversal 2, dosage-sensitive; Dosage-sensitive sex reversal. Identifiers: MedGen C1848296, MONDO:0010226, OMIM 300018.

Allele frequency attached by ClinVar (database versions not stated): gnomAD 0.00068 and 0.00090; gnomAD exomes 0.00089 and 0.00279; ExAC 0.00279; 1000 Genomes Project 30x 0.00562; 1000 Genomes Project 0.00583.
gnomAD v4.1: 1,123 of 1,208,542 alleles (0.093%); highest among the groups gnomAD compares: East Asian, 3%; 12 homozygotes.

Submissions (8):

Labcorp Genetics (formerly Invitae), Labcorp
Classification: Benign for Congenital adrenal hypoplasia, X-linked; 46,XY sex reversal 2. Last evaluated: 2026-01-30. Review status: criteria provided, single submitter. Criteria: Invitae Variant Classification Sherloc (09022015). Collection method: clinical testing. Allele origin: germline.

CeGaT Center for Human Genetics Tuebingen
Classification: Benign. Last evaluated: 2025-08-01. Review status: criteria provided, single submitter. Criteria: CeGaT Center For Human Genetics Tuebingen Variant Classification Criteria Version 2. Collection method: clinical testing. Allele origin: germline. Affected: yes. Observed: 2 variant alleles.
Comment: NR0B1: BS1, BS2

Mendelics
Classification: Benign for Congenital adrenal hypoplasia, X-linked. Last evaluated: 2019-05-28. Review status: criteria provided, single submitter. Criteria: Mendelics Assertion Criteria 2017. Collection method: clinical testing. Allele origin: unknown.

GeneDx
Classification: Benign. Last evaluated: 2017-03-01. Review status: criteria provided, single submitter. Criteria: GeneDx Variant Classification (06012015). Collection method: clinical testing. Allele origin: germline. Affected: yes.
Comment: This variant is considered likely benign or benign based on one or more of the following criteria: it is a conservative change, it occurs at a poorly conserved position in the protein, it is predicted to be benign by multiple in silico algorithms, and/or has population frequency not consistent with disease.

Soonchunhyang University Bucheon Hospital, Soonchunhyang University Medical Center
Classification: Uncertain significance for Congenital adrenal hypoplasia, X-linked. Last evaluated: 2016-03-18. Review status: criteria provided, single submitter. Criteria: ACMG Guidelines, 2015. Collection method: reference population. Allele origin: germline. Observed: 4 variant alleles.

PreventionGenetics, part of Exact Sciences
Classification: Likely benign for NR0B1-related condition. Last evaluated: 2020-06-22. Review status: no assertion criteria provided. Collection method: clinical testing. Allele origin: germline. Not counted in ClinVar's aggregate classification.
Comment: This variant is classified as likely benign based on ACMG/AMP sequence variant interpretation guidelines (Richards et al. 2015 PMID: 25741868, with internal and published modifications).

Clinical Genetics DNA and cytogenetics Diagnostics Lab, Erasmus MC, Erasmus Medical Center
Classification: Benign. Review status: no assertion criteria provided. Collection method: clinical testing. Allele origin: germline. Affected: yes. Study: VKGL Data-share Consensus. Not counted in ClinVar's aggregate classification.

Laboratory of Diagnostic Genome Analysis, Leiden University Medical Center (LUMC)
Classification: Likely benign. Review status: no assertion criteria provided. Collection method: clinical testing. Allele origin: germline. Affected: yes. Study: VKGL Data-share Consensus. Not counted in ClinVar's aggregate classification.

Literature cited by the submitters: PubMed 23512386 (cited by Soonchunhyang University Bucheon Hospital, Soonchunhyang University Medical Center); PubMed 9195207 (cited by Soonchunhyang University Bucheon Hospital, Soonchunhyang University Medical Center).